The following is an entry in ClinVar:

ClinVar aggregate classification (germline): Pathogenic (1 of 4 stars; one submission).

Conditions:
Primary ciliary dyskinesia. Also called: Ciliary dyskinesia. Identifiers: Orphanet 244, MedGen C0008780, MONDO:0016575, HP:0012265.

Submission:

Labcorp Genetics (formerly Invitae), Labcorp
Classification: Pathogenic for Primary ciliary dyskinesia. Last evaluated: 2023-12-27. Review status: criteria provided, single submitter. Criteria: Invitae Variant Classification Sherloc (09022015). Collection method: clinical testing. Allele origin: germline.
Comment: This sequence change affects a donor splice site in intron 70 of the DNAH11 gene. It is expected to disrupt RNA splicing. Variants that disrupt the donor or acceptor splice site typically lead to a loss of protein function (PMID: 16199547), and loss-of-function variants in DNAH11 are known to be pathogenic (PMID: 18022865, 20513915, 22184204). This variant is not present in population databases (gnomAD no frequency). Disruption of this splice site has been observed in individual(s) with clinical features of primary ciliary dyskinesia (Invitae). Algorithms developed to predict the effect of sequence changes on RNA splicing suggest that this variant may disrupt the consensus splice site. For these reasons, this variant has been classified as Pathogenic.

Literature cited by the submitters: PubMed 16199547; PubMed 18022865; PubMed 20513915; PubMed 22184204.

NM_001277115.2(DNAH11):c.11496+1G>T

Gene: DNAH11 (dynein axonemal heavy chain 11; plus strand). Cytogenetic location: 7p15.3.
Variant type: single nucleotide variant.
Coding change: c.11496+1G>T on transcript NM_001277115.2 (MANE Select); the canonical splice donor site of the intron after coding-DNA position 11496, G replaced by T.
Molecular consequence: splice donor variant.
Genome position (GRCh38, 1-based): chr7:21,864,658, G>T. VCF-style: chr7-21864658-G-T. GRCh37 (hg19) VCF-style: chr7-21904276-G-T.
Identifiers: ClinVar variation 2701326 (VCV002701326.3), dbSNP rs2535501445, ClinGen allele CA366961813.